The following is an entry in ClinVar:

NM_198271.5(LMOD3):c.397_398del (p.Glu133fs)

Gene: LMOD3 (leiomodin 3; minus strand). Cytogenetic location: 3p14.1.
Variant type: Microsatellite.
Coding change: c.397_398del on transcript NM_198271.5 (MANE Select); coding-DNA positions 397 to 398, 2 bases deleted (GA; older notation c.397_398delGA).
Protein change: p.Glu133fs; shifts the reading frame from glutamic acid 133.
Molecular consequence: frameshift variant.
Genome position (GRCh38, 1-based): chr3:69,119,957-69,119,958, TC deleted on the plus strand (GA on the coding strand, the reverse complement: LMOD3 is on the minus strand); deleting any 2 consecutive bases within chr3:69,119,957-69,119,961 gives the same sequence; the c. name uses the placement nearest the transcript's 3' end. VCF-style (leftmost placement, unchanged base first): chr3-69119956-TTC-T. GRCh37 (hg19) VCF-style: chr3-69169107-TTC-T.
Other names: c.397_398del, p.Glu133fs (NM_001304418.3); short protein forms E133fs.
Identifiers: ClinVar variation 4779080 (VCV004779080.1).

ClinVar aggregate classification (germline): Pathogenic (1 of 4 stars; one submission).

Conditions:
Nemaline myopathy 10 (NEM10). Identifiers: MedGen C4015360, MONDO:0014513, OMIM 616165.

Submission:

Labcorp Genetics (formerly Invitae), Labcorp
Classification: Pathogenic for Nemaline myopathy 10. Last evaluated: 2025-12-15. Review status: criteria provided, single submitter. Criteria: Invitae Variant Classification Sherloc (09022015). Collection method: clinical testing. Allele origin: germline.
Comment: This sequence change creates a premature translational stop signal (p.Glu133Ilefs*12) in the LMOD3 gene. It is expected to result in an absent or disrupted protein product. Loss-of-function variants in LMOD3 are known to be pathogenic (PMID: 25250574). This variant is not present in population databases (gnomAD no frequency). This variant has not been reported in the literature in individuals affected with LMOD3-related conditions. For these reasons, this variant has been classified as Pathogenic.

Literature cited by the submitters: PubMed 25250574.